The following is an entry in ClinVar:

NM_002615.7(SERPINF1):c.317G>A (p.Arg106Gln)

Gene: SERPINF1 (serpin family F member 1; plus strand). Cytogenetic location: 17p13.3.
Variant type: single nucleotide variant.
Coding change: c.317G>A on transcript NM_002615.7 (MANE Select); coding-DNA position 317, G replaced by A.
Protein change: p.Arg106Gln; replaces arginine 106 with glutamine.
Molecular consequence: missense variant. On other transcripts: 5 prime UTR variant (1).
Genome position (GRCh38, 1-based): chr17:1,771,062, G>A. VCF-style: chr17-1771062-G-A. GRCh37 (hg19) VCF-style: chr17-1674356-G-A.
Other names: c.317G>A, p.Arg106Gln (NM_001329903.2); c.-245G>A (NM_001329904.2); short protein forms R106Q.
Identifiers: ClinVar variation 1049090 (VCV001049090.7), dbSNP rs148872301, ClinGen allele CA8274646.

ClinVar aggregate classification (germline): Uncertain significance. Review status: criteria provided, single submitter (1 of 4 stars). 2 submissions from 2 submitters: Uncertain significance (1). 1 of the submissions does not count toward it. Last evaluated 2024-12-02.

Allele frequency attached by ClinVar (database versions not stated): gnomAD 0.00003; gnomAD exomes 0.00007.

Submissions (2):

Labcorp Genetics (formerly Invitae), Labcorp
Classification: Uncertain significance. Last evaluated: 2024-12-02. Review status: criteria provided, single submitter. Criteria: Invitae Variant Classification Sherloc (09022015). Collection method: clinical testing. Allele origin: germline.
Comment: This sequence change replaces arginine with glutamine at codon 106 of the SERPINF1 protein (p.Arg106Gln). The arginine residue is highly conserved and there is a small physicochemical difference between arginine and glutamine. This variant is present in population databases (rs148872301, gnomAD 0.007%). This variant has not been reported in the literature in individuals affected with SERPINF1-related conditions. ClinVar contains an entry for this variant (Variation ID: 1049090). Invitae Evidence Modeling of protein sequence and biophysical properties (such as structural, functional, and spatial information, amino acid conservation, physicochemical variation, residue mobility, and thermodynamic stability) indicates that this missense variant is not expected to disrupt SERPINF1 protein function with a negative predictive value of 80%. In summary, the available evidence is currently insufficient to determine the role of this variant in disease. Therefore, it has been classified as a Variant of Uncertain Significance.

Department of Pathology and Laboratory Medicine, Sinai Health System
Classification: Uncertain significance. Review status: no assertion criteria provided. Collection method: clinical testing. Allele origin: unknown. Affected: yes. Study: The Canadian Open Genetics Repository (COGR). Not counted in ClinVar's aggregate classification.
Comment: The SERPINF1 p.Arg106Gln variant was not identified in the literature nor was it identified in ClinVar. The variant was identified in dbSNP (ID: rs148872301) and in control databases in 9 of 251490 chromosomes at a frequency of 0.00003579 (Genome Aggregation Database March 6, 2019, v2.1.1). The variant was observed in the following populations: European (non-Finnish) in 8 of 113764 chromosomes (freq: 0.00007) and South Asian in 1 of 30616 chromosomes (freq: 0.000033), but was not observed in the African, Latino, Ashkenazi Jewish, East Asian, European (Finnish), or Other populations. The p.Arg106 residue is conserved in mammals and computational analyses (PolyPhen-2, SIFT, AlignGVGD, BLOSUM, MutationTaster) provide inconsistent predictions regarding the impact to the protein; this information is not very predictive of pathogenicity. The variant occurs outside of the splicing consensus sequence and 2 of 4 in silico or computational prediction software programs (SpliceSiteFinder, MaxEntScan, NNSPLICE, GeneSplicer) predict a greater than 10% difference in splicing; this is not very predictive of pathogenicity. In summary, based on the above information the clinical significance of this variant cannot be determined with certainty at this time. This variant is classified as a variant of uncertain significance.